The following is an entry in ClinVar:

NM_031471.6(FERMT3):c.1360G>A (p.Gly454Ser)

Gene: FERMT3 (FERM domain containing kindlin 3; plus strand). Cytogenetic location: 11q13.1.
Variant type: single nucleotide variant.
Coding change: c.1360G>A on transcript NM_031471.6 (MANE Select); coding-DNA position 1360, G replaced by A.
Protein change: p.Gly454Ser; replaces glycine 454 with serine.
Molecular consequence: missense variant.
Genome position (GRCh38, 1-based): chr11:64,220,484, G>A. VCF-style: chr11-64220484-G-A. GRCh37 (hg19) VCF-style: chr11-63987956-G-A.
Other names: c.1360G>A, p.Gly454Ser (NM_001382361.1, NM_001382448.1); c.1372G>A, p.Gly458Ser (NM_001382362.1, NM_178443.3); c.820G>A, p.Gly274Ser (NM_001382363.1); c.832G>A, p.Gly278Ser (NM_001382364.1); short protein forms G274S, G278S, G458S, G454S.
Identifiers: ClinVar variation 2109138 (VCV002109138.4), dbSNP rs745914766, ClinGen allele CA6069140.

ClinVar aggregate classification (germline): Uncertain significance (1 of 4 stars; one submission).

Conditions:
Leukocyte adhesion deficiency 3. Also called: INTEGRIN ACTIVATION DEFICIENCY DISEASE; LEUKOCYTE ADHESION DEFICIENCY 1 VARIANT; Leukocyte adhesion deficiency, type III. Identifiers: Orphanet 2968, Orphanet 99844, MedGen C2748536, MONDO:0013016, OMIM 612840.

Allele frequency attached by ClinVar (database versions not stated): gnomAD exomes below 0.00001; ExAC 0.00001.
gnomAD v4.1: 1 of 1,609,776 alleles (0.000062%); highest among the groups gnomAD compares: Non-Finnish European, 0.000085%; no homozygotes.

Submission:

Labcorp Genetics (formerly Invitae), Labcorp
Classification: Uncertain significance for Leukocyte adhesion deficiency 3. Last evaluated: 2022-03-11. Review status: criteria provided, single submitter. Criteria: Invitae Variant Classification Sherloc (09022015). Collection method: clinical testing. Allele origin: germline.
Comment: This sequence change replaces glycine, which is neutral and non-polar, with serine, which is neutral and polar, at codon 454 of the FERMT3 protein (p.Gly454Ser). The frequency data for this variant in the population databases is considered unreliable, as metrics indicate poor data quality at this position in the gnomAD database. This variant has not been reported in the literature in individuals affected with FERMT3-related conditions. Algorithms developed to predict the effect of missense changes on protein structure and function are either unavailable or do not agree on the potential impact of this missense change (SIFT: "Deleterious"; PolyPhen-2: "Probably Damaging"; Align-GVGD: "Class C0"). In summary, the available evidence is currently insufficient to determine the role of this variant in disease. Therefore, it has been classified as a Variant of Uncertain Significance.